The following is an entry in ClinVar:

NM_016628.5(WAC):c.1101dup (p.Pro368fs)

Gene: WAC (WW domain containing adaptor with coiled-coil; plus strand). Cytogenetic location: 10p12.1.
Variant type: Duplication.
Coding change: c.1101dup on transcript NM_016628.5 (MANE Select); coding-DNA position 1101, one base duplicated (T; older notation c.1101dupT).
Protein change: p.Pro368fs; shifts the reading frame from proline 368.
Molecular consequence: frameshift variant.
Genome position (GRCh38, 1-based): chr10:28,608,367, T duplicated; the last of 2 consecutive T bases (chr10:28,608,366-28,608,367); duplicating either gives the same sequence. VCF-style (leftmost placement, unchanged base first): chr10-28608365-C-CT. GRCh37 (hg19) VCF-style: chr10-28897294-C-CT.
Other names: c.966dup, p.Pro323fs (NM_100264.3); c.792dup, p.Pro265fs (NM_100486.4); short protein forms P323fs, P265fs, P368fs.
Identifiers: ClinVar variation 1030572 (VCV001030572.3), dbSNP rs1841061596, ClinGen allele CA1727455454.

ClinVar aggregate classification (germline): Pathogenic (1 of 4 stars; one submission).

Conditions:
DeSanto-Shinawi syndrome due to WAC point mutation (DESSH). Also called: DEVELOPMENTAL DELAY, BEHAVIORAL ABNORMALITIES, FACIAL DYSMORPHISM, AND OCULAR ABNORMALITIES; Facial dysmorphism-developmental delay-behavioral abnormalities syndrome due to WAC point mutation; WAC-Related Intellectual Disability. Identifiers: Orphanet 284169, Orphanet 466950, MedGen C5681129, MONDO:0014741, OMIM 616708.

Submission:

Baylor Genetics
Classification: Pathogenic for DeSanto-Shinawi syndrome due to WAC point mutation. Last evaluated: 2019-03-08. Review status: criteria provided, single submitter. Criteria: ACMG Guidelines, 2015. Collection method: clinical testing. Allele origin: de novo. Affected: yes.
Comment: This variant was determined to be pathogenic according to ACMG Guidelines, 2015 [PMID:25741868].